The following continues an entry in ClinVar:

NM_007194.4(CHEK2):c.1270T>C (p.Tyr424His)

Gene: CHEK2. ClinVar aggregate classification (germline): Conflicting classifications of pathogenicity. Uncertain significance (20); Likely benign (3).

Submissions 25 to 29 of 29:

Clinical Genetics DNA and cytogenetics Diagnostics Lab, Erasmus MC, Erasmus Medical Center
Classification: Uncertain significance. Review status: no assertion criteria provided. Collection method: clinical testing. Allele origin: germline. Affected: yes. Study: VKGL Data-share Consensus. Not counted in ClinVar's aggregate classification.

Clinical Genetics Laboratory, Department of Pathology, Netherlands Cancer Institute
Classification: Uncertain significance. Review status: no assertion criteria provided. Collection method: clinical testing. Allele origin: germline. Affected: yes. Study: VKGL Data-share Consensus. Not counted in ClinVar's aggregate classification.

Department of Pathology and Laboratory Medicine, Sinai Health System
Classification: Uncertain significance for Malignant tumor of breast. Review status: no assertion criteria provided. Collection method: clinical testing. Allele origin: unknown. Affected: yes. Study: The Canadian Open Genetics Repository (COGR). Not counted in ClinVar's aggregate classification.
Comment: The CHEK2 p.Tyr424His variant was identified in 6 of 496 proband chromosomes (frequency: 0.0121) from individuals or families with hereditary breast and ovarian cancer (Laitman 2007, Tischkowitz 2008). The variant was also identified in the following databases: dbSNP (ID: rs139366548) as â€šÃ„ÃºWith Uncertain significance alleleâ€šÃ„Ã¹, ClinVar (as uncertain significance by GeneDx, Ambry Genetics, Invitae, Color Genomics, and Quest Diagnostics), and Clinvitae (3x). The variant was not identified in Cosmic, MutDB, or the Zhejiang Colon Cancer Database. The variant was identified in control databases in 70 of 276482 chromosomes at a frequency of 0.000253 (Genome Aggregation Database Feb 27, 2017). It was observed in the following populations: Other in 3 of 6444 chromosomes (freq: 0.000466), European (Non-Finnish) in 7 of 126180 chromosomes (freq: 0.000055), and Ashkenazi Jewish in 60 of 10128 chromosomes (freq: 0.005924); it was not observed in the African, Latino, East Asian, European (Finnish), and South Asian populations. There are conflicting classifications of this variant in the literature. Roeb (2012) conducted a yeast-based in vivo functional assay and found the variant damaging. They also found that co-segregation of the variant with breast cancer in families is consistent with expectation for damaging alleles of moderate penetrance (Roeb 2012). Another study by Tischkowitz (2008) found the variant occurred in nine affected cases from four different families; however it did not completely segregate with the disease. Functional assays using S. Cerevisae revealed that the p.Tyr424His substitution did not alter function of CHEK2 protein; although the p.Tyr424His variant occurs at a highly conserved position, it does not seem to play a significant role in predisposition to prostate cancer (Tischkowitz 2008). They concluded that while the results do not exclude the possibility that this is a modest-risk predisposition allele in the Ashkenazi Jewish population, functional studies in yeast indicate that the variant does not have a significant deleterious effect (Tischkowitz 2008). The p.Tyr424His residue is conserved in mammals, but not in lower organisms, and the variant amino acid Histidine (His) is present in S. cerevisiae (Brewerâ€šÃ„Ã´s yeast), increasing the likelihood that this variant does not have clinical significance. Computational analyses (PolyPhen-2, SIFT, AlignGVGD, BLOSUM, MutationTaster) provide inconsistent predictions regarding the impact to the protein; this information is not very predictive of pathogenicity. The variant occurs outside of the splicing consensus sequence and in silico or computational prediction software programs (SpliceSiteFinder, MaxEntScan, NNSPLICE, GeneSplicer, HumanSpliceFinder) do not predict a difference in splicing. In summary, based on the above information the clinical significance of this variant cannot be determined with certainty at this time. This variant is classified as a variant of uncertain significance.

Diagnostic Laboratory, Department of Genetics, University Medical Center Groningen
Classification: Uncertain significance. Review status: no assertion criteria provided. Collection method: clinical testing. Allele origin: germline. Affected: yes. Study: VKGL Data-share Consensus. Not counted in ClinVar's aggregate classification.

Genome Diagnostics Laboratory, Amsterdam University Medical Center
Classification: Uncertain significance. Review status: no assertion criteria provided. Collection method: clinical testing. Allele origin: germline. Affected: yes. Study: VKGL Data-share Consensus. Not counted in ClinVar's aggregate classification.

Literature cited by the submitters: PubMed 18085035 (cited by 7 submitters); PubMed 18571837 (cited by 7 submitters); PubMed 22419737 (cited by 7 submitters); PubMed 30374176 (cited by 5 submitters); PubMed 30851065 (cited by 7 submitters); PubMed 37449874 (cited by 4 submitters); PubMed 39146382 (cited by Labcorp Genetics (formerly Invitae), Labcorp); PubMed 25117502 (cited by 4 submitters); PubMed 25452441 (cited by 4 submitters); PubMed 25186627 (cited by 6 submitters); PubMed 24628946 (cited by Women's Health and Genetics/Laboratory Corporation of America, LabCorp); PubMed 26580448 (cited by Women's Health and Genetics/Laboratory Corporation of America, LabCorp); PubMed 29596542 (cited by 3 submitters); PubMed 30447919 (cited by Women's Health and Genetics/Laboratory Corporation of America, LabCorp); PubMed 31398194 (cited by Women's Health and Genetics/Laboratory Corporation of America, LabCorp); PubMed 31415627 (cited by Women's Health and Genetics/Laboratory Corporation of America, LabCorp); PubMed 31050813 (cited by 6 submitters); PubMed 30541756 (cited by Women's Health and Genetics/Laboratory Corporation of America, LabCorp); PubMed 32866190 (cited by Women's Health and Genetics/Laboratory Corporation of America, LabCorp); PubMed 33128190 (cited by Women's Health and Genetics/Laboratory Corporation of America, LabCorp and Quest Diagnostics Nichols Institute San Juan Capistrano); PubMed 33471991 (cited by 5 submitters); PubMed 33747920 (cited by Women's Health and Genetics/Laboratory Corporation of America, LabCorp); PubMed 33939675 (cited by Women's Health and Genetics/Laboratory Corporation of America, LabCorp); PubMed 30154229 (cited by Women's Health and Genetics/Laboratory Corporation of America, LabCorp); PubMed 35643632 (cited by Women's Health and Genetics/Laboratory Corporation of America, LabCorp); PubMed 34326862 (cited by Women's Health and Genetics/Laboratory Corporation of America, LabCorp); PubMed 36360192 (cited by 4 submitters); PubMed 36845387 (cited by Women's Health and Genetics/Laboratory Corporation of America, LabCorp and Quest Diagnostics Nichols Institute San Juan Capistrano); PubMed 35534704 (cited by Women's Health and Genetics/Laboratory Corporation of America, LabCorp); PubMed 36315097 (cited by Women's Health and Genetics/Laboratory Corporation of America, LabCorp and Color Diagnostics, LLC DBA Color Health); PubMed 36468172 (cited by Women's Health and Genetics/Laboratory Corporation of America, LabCorp); PubMed 37463056 (cited by Women's Health and Genetics/Laboratory Corporation of America, LabCorp); PubMed 37842866 (cited by Women's Health and Genetics/Laboratory Corporation of America, LabCorp); PubMed 34160418 (cited by Women's Health and Genetics/Laboratory Corporation of America, LabCorp); PubMed 34663923 (cited by Women's Health and Genetics/Laboratory Corporation of America, LabCorp); PubMed 29725535 (cited by Women's Health and Genetics/Laboratory Corporation of America, LabCorp); PubMed 33692755 (cited by Women's Health and Genetics/Laboratory Corporation of America, LabCorp); PubMed 27248180 (cited by Women's Health and Genetics/Laboratory Corporation of America, LabCorp); PubMed 40503579 (cited by Women's Health and Genetics/Laboratory Corporation of America, LabCorp); PubMed 39208550 (cited by Women's Health and Genetics/Laboratory Corporation of America, LabCorp); PubMed 39642869 (cited by Center for Genomic Medicine, Rigshospitalet, Copenhagen University Hospital); PubMed 32885271 (cited by Center for Genomic Medicine, Rigshospitalet, Copenhagen University Hospital and Ambry Genetics); PubMed 19782031 (cited by Ambry Genetics); PubMed 25085752 (cited by Myriad Genetics, Inc.).